The following is an entry in ClinVar:

ClinVar aggregate classification (germline): Likely benign. Review status: criteria provided, multiple submitters, no conflicts (2 of 4 stars). 3 submissions from 3 submitters: Likely benign (3). Last evaluated 2026-05-22.

Conditions:
PLG-related disorder. Also called: PLG-related condition.

Allele frequency attached by ClinVar (database versions not stated): gnomAD 0.00003; ESP Exome Variant Server 0.00008.
gnomAD v4.1: 41 of 1,594,342 alleles (0.0026%); highest among the groups gnomAD compares: Admixed American, 0.015%; no homozygotes.

Submissions (3):

PreventionGenetics, part of Exact Sciences
Classification: Likely benign for PLG-related condition. Last evaluated: 2026-05-22. Review status: criteria provided, single submitter. Criteria: ACMG Guidelines, 2015. Collection method: clinical testing. Allele origin: germline.
Comment: This variant is classified as likely benign based on ACMG/AMP sequence variant interpretation guidelines (Richards et al. 2015 PMID: 25741868, with internal and published modifications).

Labcorp Genetics (formerly Invitae), Labcorp
Classification: Likely benign. Last evaluated: 2025-10-13. Review status: criteria provided, single submitter. Criteria: Invitae Variant Classification Sherloc (09022015). Collection method: clinical testing. Allele origin: germline.

Women's Health and Genetics/Laboratory Corporation of America, LabCorp
Classification: Likely benign. Last evaluated: 2023-12-21. Review status: criteria provided, single submitter. Criteria: LabCorp Variant Classification Summary - May 2015. Collection method: clinical testing. Allele origin: germline.

NM_000301.5(PLG):c.2025C>A (p.Ala675=)

Gene: PLG (plasminogen; plus strand). Cytogenetic location: 6q26.
Variant type: single nucleotide variant.
Coding change: c.2025C>A on transcript NM_000301.5 (MANE Select); coding-DNA position 2025, C replaced by A.
Protein change: p.Ala675=; no amino-acid change (alanine 675 retained).
Molecular consequence: synonymous variant.
Genome position (GRCh38, 1-based): chr6:160,741,317, C>A. VCF-style: chr6-160741317-C-A. GRCh37 (hg19) VCF-style: chr6-161162349-C-A.
Identifiers: ClinVar variation 2691363 (VCV002691363.5), dbSNP rs370325463, ClinGen allele CA4087972.
Genomic context (GRCh38, chr6:160,741,317, plus strand): 5'-TACTGCAGCTGCGAGCAGAGCAGTCAAACATAACTGCTGATGCTTTTCTTTCAGTCCTGC[C>A]GTCATCACTGACAAAGTAATCCCAGCTTGTCTGCCATCCCCAAATTATGTGGTCGCTGAC-3'
Protein context (NP_000292.1, residues 665-685): DIALLKLSSP[Ala675=]VITDKVIPAC